The following is an entry in ClinVar:

ClinVar aggregate classification (germline): Uncertain significance (1 of 4 stars; one submission).

Conditions:
DICER1-related tumor predisposition. Also called: DICER1-related pleuropulmonary blastoma cancer predisposition syndrome; DICER1 syndrome. Identifiers: Orphanet 284343, MedGen C3839822, MONDO:0100216.

Submission:

Labcorp Genetics (formerly Invitae), Labcorp
Classification: Uncertain significance for DICER1-related tumor predisposition. Last evaluated: 2024-07-09. Review status: criteria provided, single submitter. Criteria: Invitae Variant Classification Sherloc (09022015). Collection method: clinical testing. Allele origin: germline.
Comment: This sequence change replaces aspartic acid, which is acidic and polar, with glycine, which is neutral and non-polar, at codon 1390 of the DICER1 protein (p.Asp1390Gly). This variant is not present in population databases (gnomAD no frequency). This variant has not been reported in the literature in individuals affected with DICER1-related conditions. Advanced modeling of protein sequence and biophysical properties (such as structural, functional, and spatial information, amino acid conservation, physicochemical variation, residue mobility, and thermodynamic stability) performed at Invitae indicates that this missense variant is not expected to disrupt DICER1 protein function with a negative predictive value of 80%. In summary, the available evidence is currently insufficient to determine the role of this variant in disease. Therefore, it has been classified as a Variant of Uncertain Significance.

NM_177438.3(DICER1):c.4169A>G (p.Asp1390Gly)

Gene: DICER1 (dicer 1, ribonuclease III; minus strand). Cytogenetic location: 14q32.13.
Variant type: single nucleotide variant.
Coding change: c.4169A>G on transcript NM_177438.3 (MANE Select); coding-DNA position 4169, A replaced by G.
Protein change: p.Asp1390Gly; replaces aspartic acid 1390 with glycine.
Molecular consequence: missense variant. On other transcripts: non-coding transcript variant (6).
Genome position (GRCh38, 1-based): chr14:95,099,817, T>C on the plus strand (A>G on the coding strand, the complement: DICER1 is on the minus strand). VCF-style: chr14-95099817-T-C. GRCh37 (hg19) VCF-style: chr14-95566154-T-C.
Other names: c.4169A>G, p.Asp1390Gly (NM_001395695.1, NM_030621.4, NM_001395692.1 and 12 more transcripts); c.3764A>G, p.Asp1255Gly (NM_001395696.1, NM_001395690.1, NM_001395687.1 and 2 more transcripts); c.2486A>G, p.Asp829Gly (NM_001395697.1); c.3602A>G, p.Asp1201Gly (NM_001395691.1); c.3887A>G, p.Asp1296Gly (NM_001395686.1); short protein forms D1390G, D1201G, D1296G, D1255G, D829G.
Identifiers: ClinVar variation 3659066 (VCV003659066.2).